The following is an entry in ClinVar:

NM_174936.4(PCSK9):c.524-12C>T

Gene: PCSK9 (proprotein convertase subtilisin/kexin type 9; plus strand). Cytogenetic location: 1p32.3.
Variant type: single nucleotide variant.
Coding change: c.524-12C>T on transcript NM_174936.4 (MANE Select); 12 bases into the intron before coding-DNA position 524, C replaced by T.
Molecular consequence: intron variant.
Genome position (GRCh38, 1-based): chr1:55,052,266, C>T. VCF-style: chr1-55052266-C-T. GRCh37 (hg19) VCF-style: chr1-55517939-C-T.
Identifiers: ClinVar variation 927834 (VCV000927834.12), dbSNP rs769681001, ClinGen allele CA042986.

ClinVar aggregate classification (germline): Likely benign. Review status: criteria provided, multiple submitters, no conflicts (2 of 4 stars). 3 submissions from 3 submitters: Likely benign (3). Last evaluated 2025-06-25.

Conditions:
Hypercholesterolemia, autosomal dominant, 3 (FHCL3). Also called: PCSK9-Related Familial Hypercholesterolemia, Autosomal Dominant; Familial hypercholesterolemia 3; Familial Hypercholesterolemia, Autosomal Dominant, 3. Identifiers: MedGen C1863551, MONDO:0011369, OMIM 603776.
Familial hypercholesterolemia. Also called: Familial hypercholesterolaemia; Familial hypercholesterolemias. Identifiers: MedGen C0020445, MONDO:0005439.

Allele frequency attached by ClinVar (database versions not stated): gnomAD 0.00001; ExAC 0.00002; gnomAD exomes 0.00002; TOPMed 0.00002.
gnomAD v4.1: 37 of 1,613,816 alleles (0.0023%); highest among the groups gnomAD compares: East Asian, 0.0045%; no homozygotes.

Submissions (3):

Labcorp Genetics (formerly Invitae), Labcorp
Classification: Likely benign for Hypercholesterolemia, autosomal dominant, 3. Last evaluated: 2025-06-25. Review status: criteria provided, single submitter. Criteria: Invitae Variant Classification Sherloc (09022015). Collection method: clinical testing. Allele origin: germline.

All of Us Research Program, National Institutes of Health
Classification: Likely benign for Hypercholesterolemia, autosomal dominant, 3. Last evaluated: 2024-05-30. Review status: criteria provided, single submitter. Criteria: ACMG Guidelines, 2015. Collection method: clinical testing. Allele origin: germline. Inheritance: Autosomal dominant inheritance. Observed: 5 variant alleles, 5 heterozygotes.
Comment: This study involves interpretation of variants in research participants for the purpose of population health screening. Participant phenotype was not available at the time of variant classification. Additional details can be found in publication PMID: 35346344, PMCID: PMC8962531

Color Diagnostics, LLC DBA Color Health
Classification: Likely benign for Familial hypercholesterolemia. Last evaluated: 2019-02-01. Review status: criteria provided, single submitter. Criteria: ACMG Guidelines, 2015. Collection method: clinical testing. Allele origin: germline.